The following is an entry in ClinVar:

ClinVar aggregate classification (germline): Likely benign. Review status: reviewed by expert panel (3 of 4 stars). 2 submissions from 2 submitters: Likely benign (1). 1 of the submissions does not count toward it. Last evaluated 2025-01-15.

Conditions:
Hereditary thrombocytopenia and hematological cancer predisposition syndrome associated with RUNX1. Also called: Familial Platelet Disorder with Propensity to Acute Myelogenous Leukemia; Familial thrombocytopenia with propensity to acute myelogenous leukemia; PLATELET DISORDER, ASPIRIN-LIKE; RUNX1 Familial Platelet Disorder with Associated Myeloid Malignancies. Identifiers: Orphanet 71290, MedGen C1832388, MeSH C563324, MONDO:0100083, OMIM 601399.
Hereditary thrombocytopenia and hematologic cancer predisposition syndrome. Identifiers: Orphanet 71290, MedGen CN281654, MONDO:0011071.

Submissions (2):

ClinGen Myeloid Malignancy Variant Curation Expert Panel
Classification: Likely benign for Hereditary thrombocytopenia and hematologic cancer predisposition syndrome. Last evaluated: 2025-01-15. Review status: reviewed by expert panel. Criteria: ClinGen MyeloMalig ACMG Specifications v2. Collection method: curation. Allele origin: germline. Inheritance: Autosomal dominant inheritance.
Comment: NM_001754.5(RUNX1):c.806-11A>T is an intronic variant which has a SpliceAI score ≤ 0.20 (0.03), and evolutionary conservation algorithms predict the site as not being conserved (PhyloP score ≤ 2.0 (-0.25)) (BP4, BP7). This variant is completely absent from all population databases with at least 20x coverage for RUNX1 (PM2_supporting). In summary, the clinical significance of this variant is likely benign. ACMG/AMP criteria applied, as specified by the Myeloid Malignancy Variant Curation Expert Panel for RUNX1: BP4, BP7, PM2_supporting.

Labcorp Genetics (formerly Invitae), Labcorp
Classification: Likely benign for Hereditary thrombocytopenia and hematological cancer predisposition syndrome associated with RUNX1. Last evaluated: 2022-11-16. Review status: criteria provided, single submitter. Criteria: Invitae Variant Classification Sherloc (09022015). Collection method: clinical testing. Allele origin: germline. Not counted in ClinVar's aggregate classification.

NM_001754.5(RUNX1):c.806-11A>T

Gene: RUNX1 (RUNX family transcription factor 1; minus strand). Cytogenetic location: 21q22.12.
Variant type: single nucleotide variant.
Coding change: c.806-11A>T on transcript NM_001754.5 (MANE Select); 11 bases into the intron before coding-DNA position 806, A replaced by T.
Molecular consequence: intron variant.
Genome position (GRCh38, 1-based): chr21:34,799,473, T>A on the plus strand (A>T on the coding strand, the complement: RUNX1 is on the minus strand). VCF-style: chr21-34799473-T-A. GRCh37 (hg19) VCF-style: chr21-36171770-T-A.
Other names: c.725-11A>T (NM_001001890.3).
Identifiers: ClinVar variation 2814725 (VCV002814725.4), dbSNP rs2516864109, ClinGen allele CA2739267613.